The following is an entry in ClinVar:

ClinVar aggregate classification (germline): Uncertain significance (1 of 4 stars; one submission).

Conditions:
Fanconi anemia (FA). Also called: Fanconi's anemia. Identifiers: Orphanet 84, MedGen C0015625, MeSH D005199, MONDO:0019391.

Submission:

Labcorp Genetics (formerly Invitae), Labcorp
Classification: Uncertain significance for Fanconi anemia. Last evaluated: 2024-01-26. Review status: criteria provided, single submitter. Criteria: Invitae Variant Classification Sherloc (09022015). Collection method: clinical testing. Allele origin: germline.
Comment: This sequence change replaces asparagine, which is neutral and polar, with serine, which is neutral and polar, at codon 931 of the FANCM protein (p.Asn931Ser). This variant is not present in population databases (gnomAD no frequency). This variant has not been reported in the literature in individuals affected with FANCM-related conditions. Algorithms developed to predict the effect of missense changes on protein structure and function output the following: SIFT: "Not Available"; PolyPhen-2: "Benign"; Align-GVGD: "Not Available". The serine amino acid residue is found in multiple mammalian species, which suggests that this missense change does not adversely affect protein function. In summary, the available evidence is currently insufficient to determine the role of this variant in disease. Therefore, it has been classified as a Variant of Uncertain Significance.

NM_020937.4(FANCM):c.2792A>G (p.Asn931Ser)

Gene: FANCM (FA complementation group M; plus strand). Cytogenetic location: 14q21.2.
Variant type: single nucleotide variant.
Coding change: c.2792A>G on transcript NM_020937.4 (MANE Select); coding-DNA position 2792, A replaced by G.
Protein change: p.Asn931Ser; replaces asparagine 931 with serine.
Molecular consequence: missense variant.
Genome position (GRCh38, 1-based): chr14:45,175,546, A>G. VCF-style: chr14-45175546-A-G. GRCh37 (hg19) VCF-style: chr14-45644749-A-G.
Other names: c.2714A>G, p.Asn905Ser (NM_001308133.2); short protein forms N931S, N905S.
Identifiers: ClinVar variation 2711947 (VCV002711947.3), dbSNP rs2503184084, ClinGen allele CA389599188.